The following is an entry in ClinVar:

ClinVar aggregate classification (germline): Uncertain significance (1 of 4 stars; one submission).

Allele frequency attached by ClinVar (database versions not stated): gnomAD exomes below 0.00001.
gnomAD v4.1: 1 of 1,613,628 alleles (0.000062%); highest among the groups gnomAD compares: Non-Finnish European, 0.000085%; no homozygotes.

Submission:

Ambry Genetics
Classification: Uncertain significance. Last evaluated: 2021-12-12. Review status: criteria provided, single submitter. Criteria: Ambry Variant Classification Scheme 2023. Collection method: clinical testing. Allele origin: germline.
Comment: The p.A510T variant (also known as c.1528G>A), located in coding exon 15 of the PRKDC gene, results from a G to A substitution at nucleotide position 1528. The alanine at codon 510 is replaced by threonine, an amino acid with similar properties. This amino acid position is conserved. In addition, this alteration is predicted to be tolerated by in silico analysis. Since supporting evidence is limited at this time, the clinical significance of this alteration remains unclear.

NM_006904.7(PRKDC):c.1528G>A (p.Ala510Thr)

Gene: PRKDC (protein kinase, DNA-activated, catalytic subunit; minus strand). Cytogenetic location: 8q11.21.
Variant type: single nucleotide variant.
Coding change: c.1528G>A on transcript NM_006904.7 (MANE Select); coding-DNA position 1528, G replaced by A.
Protein change: p.Ala510Thr; replaces alanine 510 with threonine.
Molecular consequence: missense variant.
Genome position (GRCh38, 1-based): chr8:47,934,060, C>T on the plus strand (G>A on the coding strand, the complement: PRKDC is on the minus strand). VCF-style: chr8-47934060-C-T. GRCh37 (hg19) VCF-style: chr8-48846620-C-T.
Other names: c.1528G>A, p.Ala510Thr (NM_001081640.2); short protein forms A510T.
Identifiers: ClinVar variation 1774554 (VCV001774554.2), dbSNP rs2551879207, ClinGen allele CA371165455.
Genomic context (GRCh38, chr8:47,934,060, plus strand): 5'-GATCCACGTAGTCTTTGTATGTGGGCACCTTCCATTTGCCAGTTCTGACTTCCCCTGAAG[C>T]ACGGTGGTCTTCAGATTCAGACTCAGGGCCCTGGCCAGAAAGACAGCATGACAATATGTA-3'
Protein context (NP_008835.5, residues 500-520): GPESESEDHR[Ala510Thr]SGEVRTGKWK